The following is an entry in ClinVar:

NM_022356.4(P3H1):c.652G>T (p.Glu218Ter)

Gene: P3H1 (prolyl 3-hydroxylase 1; minus strand). Cytogenetic location: 1p34.2.
Variant type: single nucleotide variant.
Coding change: c.652G>T on transcript NM_022356.4 (MANE Select); coding-DNA position 652, G replaced by T.
Protein change: p.Glu218Ter; replaces glutamic acid 218 with a stop codon.
Molecular consequence: nonsense.
Genome position (GRCh38, 1-based): chr1:42,759,357, C>A on the plus strand (G>T on the coding strand, the complement: P3H1 is on the minus strand). VCF-style: chr1-42759357-C-A. GRCh37 (hg19) VCF-style: chr1-43225028-C-A.
Other names: c.652G>T, p.Glu218Ter (NM_001146289.2, NM_001243246.2); short protein forms E218*.
Identifiers: ClinVar variation 1415316 (VCV001415316.9), dbSNP rs2124142972, ClinGen allele CA339960267.

ClinVar aggregate classification (germline): Pathogenic/Likely pathogenic. Review status: criteria provided, multiple submitters, no conflicts (2 of 4 stars). 3 submissions from 3 submitters: Pathogenic (2); Likely pathogenic (1). Last evaluated 2024-06-14.

Conditions:
P3H1-related disorders.
Osteogenesis imperfecta type 8 (OI8). Identifiers: MedGen C1970458, MONDO:0012581, OMIM 610915.

Submissions (3):

Fulgent Genetics
Classification: Pathogenic for Osteogenesis imperfecta type 8. Last evaluated: 2024-06-14. Review status: criteria provided, single submitter. Criteria: ACMG Guidelines, 2015. Collection method: clinical testing. Allele origin: germline.

Labcorp Genetics (formerly Invitae), Labcorp
Classification: Pathogenic for Osteogenesis imperfecta type 8. Last evaluated: 2023-11-27. Review status: criteria provided, single submitter. Criteria: Invitae Variant Classification Sherloc (09022015). Collection method: clinical testing. Allele origin: germline.
Comment: This sequence change creates a premature translational stop signal (p.Glu218*) in the P3H1 gene. It is expected to result in an absent or disrupted protein product. Loss-of-function variants in P3H1 are known to be pathogenic (PMID: 17277775, 18566967, 19088120, 22281939). This variant is not present in population databases (gnomAD no frequency). This premature translational stop signal has been observed in individual(s) with osteogenesis imperfecta (PMID: 33093841). In at least one individual the data is consistent with being in trans (on the opposite chromosome) from a pathogenic variant. ClinVar contains an entry for this variant (Variation ID: 1415316). Algorithms developed to predict the effect of sequence changes on RNA splicing suggest that this variant may disrupt the consensus splice site. For these reasons, this variant has been classified as Pathogenic.

Blueprint Genetics
Classification: Likely pathogenic for P3H1-related disorders. Last evaluated: 2021-07-30. Review status: criteria provided, single submitter. Criteria: ACMG Guidelines, 2015. Collection method: clinical testing. Allele origin: germline. Affected: yes. Observed: 1 variant allele.

Literature cited by the submitters: PubMed 17277775 (cited by Labcorp Genetics (formerly Invitae), Labcorp); PubMed 18566967 (cited by Labcorp Genetics (formerly Invitae), Labcorp); PubMed 19088120 (cited by Labcorp Genetics (formerly Invitae), Labcorp); PubMed 22281939 (cited by Labcorp Genetics (formerly Invitae), Labcorp); PubMed 33093841 (cited by Labcorp Genetics (formerly Invitae), Labcorp).